The following is an entry in ClinVar:

ClinVar aggregate classification (germline): Uncertain significance. Review status: criteria provided, multiple submitters, no conflicts (2 of 4 stars). 2 submissions from 2 submitters: Uncertain significance (2). Last evaluated 2022-08-31.

Conditions:
Inborn genetic diseases. Identifiers: MedGen C0950123, MeSH D030342.
Dyskeratosis congenita. Identifiers: Orphanet 1775, MedGen C0265965, MONDO:0015780.

Allele frequency attached by ClinVar (database versions not stated): gnomAD 0.00001; gnomAD exomes 0.00001 and 0.00003; TOPMed 0.00001; ExAC 0.00003; ESP Exome Variant Server 0.00008.
gnomAD v4.1: 9 of 1,609,418 alleles (0.00056%); highest among the groups gnomAD compares: Admixed American, 0.012%; no homozygotes.

Submissions (2):

Labcorp Genetics (formerly Invitae), Labcorp
Classification: Uncertain significance for Dyskeratosis congenita. Last evaluated: 2022-08-31. Review status: criteria provided, single submitter. Criteria: Invitae Variant Classification Sherloc (09022015). Collection method: clinical testing. Allele origin: germline.
Comment: This sequence change replaces arginine, which is basic and polar, with glycine, which is neutral and non-polar, at codon 273 of the CTC1 protein (p.Arg273Gly). This variant is present in population databases (rs370483878, gnomAD 0.01%). This variant has not been reported in the literature in individuals affected with CTC1-related conditions. ClinVar contains an entry for this variant (Variation ID: 1002885). Algorithms developed to predict the effect of missense changes on protein structure and function are either unavailable or do not agree on the potential impact of this missense change (SIFT: "Deleterious"; PolyPhen-2: "Benign"; Align-GVGD: "Class C0"). In summary, the available evidence is currently insufficient to determine the role of this variant in disease. Therefore, it has been classified as a Variant of Uncertain Significance.

Ambry Genetics
Classification: Uncertain significance for Inborn genetic diseases. Last evaluated: 2021-12-13. Review status: criteria provided, single submitter. Criteria: Ambry Variant Classification Scheme 2023. Collection method: clinical testing. Allele origin: germline.

NM_025099.6(CTC1):c.817A>G (p.Arg273Gly)

Gene: CTC1 (CST telomere replication complex component 1; minus strand). Cytogenetic location: 17p13.1.
Variant type: single nucleotide variant.
Coding change: c.817A>G on transcript NM_025099.6 (MANE Select); coding-DNA position 817, A replaced by G.
Protein change: p.Arg273Gly; replaces arginine 273 with glycine.
Molecular consequence: missense variant. On other transcripts: non-coding transcript variant (1).
Genome position (GRCh38, 1-based): chr17:8,236,318, T>C on the plus strand (A>G on the coding strand, the complement: CTC1 is on the minus strand). VCF-style: chr17-8236318-T-C. GRCh37 (hg19) VCF-style: chr17-8139636-T-C.
Other names: c.817A>G (NM_025099.5); short protein forms R273G.
Identifiers: ClinVar variation 1002885 (VCV001002885.4), dbSNP rs370483878, ClinGen allele CA8372544.
Genomic context (GRCh38, chr17:8,236,318, plus strand): 5'-CACGGATCTTGGACACTCGCAGTTCTGTCAGCACATAGGCTGTACCAGGCCGAAGGGCTC[T>C]GTGCCACACCAGCTGGGCAGGGACCTGGCTTGTGCAGAGACAGGCAATGTGACACAAGAG-3'
Protein context (NP_079375.3, residues 263-283): VQVPAQLVWH[Arg273Gly]ALRPGTAYVL